The following is an entry in ClinVar:

NM_178452.6(DNAAF1):c.1799C>A (p.Thr600Lys)

Gene: DNAAF1 (dynein axonemal assembly factor 1; plus strand). Cytogenetic location: 16q24.1.
Variant type: single nucleotide variant.
Coding change: c.1799C>A on transcript NM_178452.6 (MANE Select); coding-DNA position 1799, C replaced by A.
Protein change: p.Thr600Lys; replaces threonine 600 with lysine.
Molecular consequence: missense variant.
Genome position (GRCh38, 1-based): chr16:84,176,033, C>A. VCF-style: chr16-84176033-C-A. GRCh37 (hg19) VCF-style: chr16-84209639-C-A.
Other names: c.1091C>A, p.Thr364Lys (NM_001318756.1); short protein forms T364K, T600K.
Identifiers: ClinVar variation 4747445 (VCV004747445.1).

ClinVar aggregate classification (germline): Uncertain significance (1 of 4 stars; one submission).

Conditions:
Primary ciliary dyskinesia. Also called: Ciliary dyskinesia. Identifiers: Orphanet 244, MedGen C0008780, MONDO:0016575, HP:0012265.

Submission:

Labcorp Genetics (formerly Invitae), Labcorp
Classification: Uncertain significance for Primary ciliary dyskinesia. Last evaluated: 2026-01-25. Review status: criteria provided, single submitter. Criteria: Invitae Variant Classification Sherloc (09022015). Collection method: clinical testing. Allele origin: germline.
Comment: This sequence change replaces threonine, which is neutral and polar, with lysine, which is basic and polar, at codon 600 of the DNAAF1 protein (p.Thr600Lys). This variant is present in population databases (rs776117575, gnomAD 0.03%), including at least one homozygous and/or hemizygous individual. This variant has not been reported in the literature in individuals affected with DNAAF1-related conditions. An algorithm developed to predict the effect of missense changes on protein structure and function (PolyPhen-2) suggests that this variant is likely to be tolerated. In summary, the available evidence is currently insufficient to determine the role of this variant in disease. Therefore, it has been classified as a Variant of Uncertain Significance.